The following is an entry in ClinVar:

NM_001127222.2(CACNA1A):c.6696G>T (p.Arg2232=)

Gene: CACNA1A (calcium voltage-gated channel subunit alpha1 A; minus strand). Cytogenetic location: 19p13.13.
Variant type: single nucleotide variant.
Coding change: c.6696G>T on transcript NM_001127222.2 (MANE Select); coding-DNA position 6696, G replaced by T.
Protein change: p.Arg2232=; no amino-acid change (arginine 2232 retained).
Molecular consequence: synonymous variant.
Genome position (GRCh38, 1-based): chr19:13,208,840, C>A on the plus strand (G>T on the coding strand, the complement: CACNA1A is on the minus strand). VCF-style: chr19-13208840-C-A. GRCh37 (hg19) VCF-style: chr19-13319654-C-A.
Other names: c.6714G>T, p.Arg2238= (NM_000068.4, NM_023035.3); c.6699G>T, p.Arg2233= (NM_001127221.2); c.6705G>T, p.Arg2235= (NM_001174080.2).
Identifiers: ClinVar variation 3051490 (VCV003051490.2), dbSNP rs1392174465, ClinGen allele CA505659217.

ClinVar aggregate classification (germline): Likely benign (0 of 4 stars; one submission).

Conditions:
CACNA1A-related disorder. Also called: CACNA1A-related condition.

Submission:

PreventionGenetics, part of Exact Sciences
Classification: Likely benign for CACNA1A-related condition. Last evaluated: 2022-11-07. Review status: no assertion criteria provided. Collection method: clinical testing. Allele origin: germline.
Comment: This variant is classified as likely benign based on ACMG/AMP sequence variant interpretation guidelines (Richards et al. 2015 PMID: 25741868, with internal and published modifications).